The following is an entry in ClinVar:

ClinVar aggregate classification (germline): Uncertain significance (1 of 4 stars; one submission).

Conditions:
Epileptic encephalopathy. Identifiers: MedGen C0543888, HP:0200134.

Submission:

Labcorp Genetics (formerly Invitae), Labcorp
Classification: Uncertain significance for Epileptic encephalopathy. Last evaluated: 2020-08-07. Review status: criteria provided, single submitter. Criteria: Invitae Variant Classification Sherloc (09022015). Collection method: clinical testing. Allele origin: germline.
Comment: In summary, the available evidence is currently insufficient to determine the role of this variant in disease. Therefore, it has been classified as a Variant of Uncertain Significance. Experimental studies and prediction algorithms are not available or were not evaluated, and the functional significance of this variant is currently unknown. This variant has not been reported in the literature in individuals with RYR3-related conditions. This variant is present in population databases (rs752717428, ExAC 0.004%). This variant, c.272_274del, results in the deletion of 1 amino acid(s) of the RYR3 protein (p.Gly91del), but otherwise preserves the integrity of the reading frame.

NM_001036.6(RYR3):c.269GCG[1] (p.Gly91del)

Gene: RYR3 (ryanodine receptor 3; plus strand). Cytogenetic location: 15q14.
Variant type: Microsatellite.
Coding change: c.269GCG[1] on transcript NM_001036.6 (MANE Select); one copy of the 3-base unit GCG starting at c.269; the reference has two copies in a row; one copy, 3 bases deleted.
Protein change: p.Gly91del; deletes glycine 91.
Molecular consequence: inframe deletion.
Genome position (GRCh38, 1-based): chr15:33,503,731-33,503,733, GCG deleted; deleting any 3 consecutive bases within chr15:33,503,727-33,503,733 gives the same sequence; the position shown is the placement nearest the transcript's 3' end. VCF-style (leftmost placement, unchanged base first): chr15-33503726-TGGC-T. GRCh37 (hg19) VCF-style: chr15-33795927-TGGC-T.
Other names: c.269GCG[1], p.Gly91del (NM_001243996.4); short protein forms G91del.
Identifiers: ClinVar variation 957953 (VCV000957953.9), dbSNP rs752717428, ClinGen allele CA7457738.
Genomic context (GRCh38, chr15:33,503,726, plus strand): 5'-GCTGGAACAGTCCCTATCTGTCAGAGCCCTGCAGGAAATGCTTGCCAACACAGGTGAAAA[TGGC>T]GGCGAAGGGGTGAGTACCCGAATTGTGTCCTAGGTTGGGATTGGGGTGCACCACATCCCC-3'